The following is an entry in ClinVar:

NM_001374828.1(ARID1B):c.11G>A (p.Arg4Gln)

Genes: ARID1B (AT-rich interaction domain 1B; plus strand), LOC115308161 (uncharacterized LOC115308161; minus strand), LOC129997522 (ATAC-STARR-seq lymphoblastoid silent region 17709; plus strand). Cytogenetic location: 6q25.3.
Variant type: single nucleotide variant.
Coding change: c.11G>A on transcript NM_001374828.1 (MANE Select); coding-DNA position 11, G replaced by A.
Protein change: p.Arg4Gln; replaces arginine 4 with glutamine.
Molecular consequence: missense variant.
Genome position (GRCh38, 1-based): chr6:156,777,691, G>A. VCF-style: chr6-156777691-G-A. GRCh37 (hg19) VCF-style: chr6-157098825-G-A.
Other names: c.11G>A, p.Arg4Gln (NM_001371656.1, NM_001374820.1, NM_017519.3); short protein forms R4Q.
Identifiers: ClinVar variation 3901072 (VCV003901072.1).

ClinVar aggregate classification (germline): Uncertain significance (1 of 4 stars; one submission).

Conditions:
Coffin-Siris syndrome 1 (CSS1). Also called: Mental retardation, autosomal dominant 12; ARID1B-Related Coffin-Siris Syndrome. Identifiers: Orphanet 1465, MedGen C3281201, MONDO:0007617, OMIM 135900. Disease mechanism: gain of function.

Submission:

Laboratorio de Genetica e Diagnostico Molecular, Hospital Israelita Albert Einstein
Classification: Uncertain significance for Coffin-Siris syndrome 1. Last evaluated: 2024-08-26. Review status: criteria provided, single submitter. Criteria: ACMG Guidelines, 2015. Collection method: clinical testing. Allele origin: germline. Affected: yes.
Comment: ACMG classification criteria: PM2 supporting